The following is an entry in ClinVar:

NM_000329.3(RPE65):c.499G>A (p.Asp167Asn)

Gene: RPE65 (retinoid isomerohydrolase RPE65; minus strand). Cytogenetic location: 1p31.3.
Variant type: single nucleotide variant.
Coding change: c.499G>A on transcript NM_000329.3 (MANE Select); coding-DNA position 499, G replaced by A.
Protein change: p.Asp167Asn; replaces aspartic acid 167 with asparagine.
Molecular consequence: missense variant.
Genome position (GRCh38, 1-based): chr1:68,440,997, C>T on the plus strand (G>A on the coding strand, the complement: RPE65 is on the minus strand). VCF-style: chr1-68440997-C-T. GRCh37 (hg19) VCF-style: chr1-68906680-C-T.
Other names: c.391G>A, p.Asp131Asn (NM_001406853.1); c.223G>A, p.Asp75Asn (NM_001406856.1, NM_001406857.1); c.499G>A, p.Asp167Asn (NM_001406859.1); short protein forms D131N, D167N, D75N.
Identifiers: ClinVar variation 3760945 (VCV003760945.2).

ClinVar aggregate classification (germline): Uncertain significance (1 of 4 stars; one submission).

Conditions:
Retinitis pigmentosa 20 (RP20). Identifiers: Orphanet 791, MedGen C3151086, MONDO:0013425, OMIM 613794.
Leber congenital amaurosis 2 (LCA2). Also called: AMAUROSIS CONGENITA OF LEBER II; Autosomal Recessive RPE65-Related Retinal Degeneration. Identifiers: Orphanet 65, MedGen C1859844, MONDO:0008765, OMIM 204100. Disease mechanism: loss of function.

Submission:

Labcorp Genetics (formerly Invitae), Labcorp
Classification: Uncertain significance for Leber congenital amaurosis 2; Retinitis pigmentosa 20. Last evaluated: 2024-08-24. Review status: criteria provided, single submitter. Criteria: Invitae Variant Classification Sherloc (09022015). Collection method: clinical testing. Allele origin: germline.
Comment: This sequence change replaces aspartic acid, which is acidic and polar, with asparagine, which is neutral and polar, at codon 167 of the RPE65 protein (p.Asp167Asn). This variant is not present in population databases (gnomAD no frequency). This variant has not been reported in the literature in individuals affected with RPE65-related conditions. Invitae Evidence Modeling of protein sequence and biophysical properties (such as structural, functional, and spatial information, amino acid conservation, physicochemical variation, residue mobility, and thermodynamic stability) indicates that this missense variant is not expected to disrupt RPE65 protein function with a negative predictive value of 80%. This variant disrupts the p.Asp167 amino acid residue in RPE65. Other variant(s) that disrupt this residue have been determined to be pathogenic (PMID: 11095629, 17724218, 18441371, 25257057, 28224992). This suggests that this residue is clinically significant, and that variants that disrupt this residue are likely to be disease-causing. In summary, the available evidence is currently insufficient to determine the role of this variant in disease. Therefore, it has been classified as a Variant of Uncertain Significance.

Literature cited by the submitters: PubMed 11095629; PubMed 17724218; PubMed 18441371; PubMed 25257057; PubMed 28224992.